The following is an entry in ClinVar:

NM_015102.5(NPHP4):c.4117C>T (p.Arg1373Trp)

Gene: NPHP4 (nephrocystin 4; minus strand). Cytogenetic location: 1p36.31.
Variant type: single nucleotide variant.
Coding change: c.4117C>T on transcript NM_015102.5 (MANE Select); coding-DNA position 4117, C replaced by T.
Protein change: p.Arg1373Trp; replaces arginine 1373 with tryptophan.
Molecular consequence: missense variant. On other transcripts: non-coding transcript variant (1).
Genome position (GRCh38, 1-based): chr1:5,863,913, G>A on the plus strand (C>T on the coding strand, the complement: NPHP4 is on the minus strand). VCF-style: chr1-5863913-G-A. GRCh37 (hg19) VCF-style: chr1-5923973-G-A.
Other names: c.2578C>T, p.Arg860Trp (NM_001291593.2); c.2581C>T, p.Arg861Trp (NM_001291594.2); short protein forms R1373W, R860W, R861W.
Identifiers: ClinVar variation 1448868 (VCV001448868.9), dbSNP rs1417370808, ClinGen allele CA338048837.

ClinVar aggregate classification (germline): Uncertain significance. Review status: criteria provided, multiple submitters, no conflicts (2 of 4 stars). 4 submissions from 4 submitters: Uncertain significance (3). 1 of the submissions does not count toward it. Last evaluated 2022-07-26.

Conditions:
Nephronophthisis. Also called: Juvenile Nephronophthisis. Identifiers: Orphanet 655, MedGen C0687120, MONDO:0019005, HP:0000090.
Retinal dystrophy. Also called: Inherited retinal dystrophy. Identifiers: Orphanet 71862, MedGen C0854723, MeSH D058499, MONDO:0019118, HP:0000556.
Senior-Loken syndrome 4 (SLSN4). Identifiers: Orphanet 3156, MedGen C1846979, MONDO:0011756, OMIM 606996.
Nephronophthisis 4 (NPHP4). Also called: NEPHRONOPHTHISIS 4, JUVENILE. Identifiers: Orphanet 655, MedGen C1847013, MONDO:0011752, OMIM 606966.

Allele frequency attached by ClinVar (database versions not stated): gnomAD exomes below 0.00001 and 0.00001; TOPMed below 0.00001.
gnomAD v4.1: 15 of 1,613,926 alleles (0.00093%); highest among the groups gnomAD compares: Middle Eastern, 0.017%; no homozygotes.

Submissions (4):

Labcorp Genetics (formerly Invitae), Labcorp
Classification: Uncertain significance for Nephronophthisis. Last evaluated: 2022-07-26. Review status: criteria provided, single submitter. Criteria: Invitae Variant Classification Sherloc (09022015). Collection method: clinical testing. Allele origin: germline.
Comment: This sequence change replaces arginine, which is basic and polar, with tryptophan, which is neutral and slightly polar, at codon 1373 of the NPHP4 protein (p.Arg1373Trp). This variant is present in population databases (no rsID available, gnomAD 0.003%). This variant has not been reported in the literature in individuals affected with NPHP4-related conditions. ClinVar contains an entry for this variant (Variation ID: 1448868). Algorithms developed to predict the effect of missense changes on protein structure and function (SIFT, PolyPhen-2, Align-GVGD) all suggest that this variant is likely to be disruptive. In summary, the available evidence is currently insufficient to determine the role of this variant in disease. Therefore, it has been classified as a Variant of Uncertain Significance.

Fulgent Genetics
Classification: Uncertain significance for Nephronophthisis 4; Senior-Loken syndrome 4. Last evaluated: 2021-09-23. Review status: criteria provided, single submitter. Criteria: ACMG Guidelines, 2015. Collection method: clinical testing. Allele origin: unknown.

Breakthrough Genomics
Classification: Uncertain significance. Review status: criteria provided, single submitter. Criteria: ACMG Guidelines, 2015. Collection method: not provided. Allele origin: germline. Inheritance: Autosomal recessive inheritance. Affected: yes.

Institute of Human Genetics, Univ. Regensburg, Univ. Regensburg
Classification: Uncertain significance for Retinal dystrophy. Last evaluated: 2023-01-01. Review status: no assertion criteria provided. Criteria: ACMG Guidelines, 2015. Collection method: clinical testing. Allele origin: germline. Affected: yes. Not counted in ClinVar's aggregate classification.